The following is an entry in ClinVar:

NM_004070.4(CLCNKA):c.1023G>A (p.Pro341=)

Genes: CLCNKA (chloride voltage-gated channel Ka; plus strand), LOC106501712 (CLCNKA recombination region; plus strand). Cytogenetic location: 1p36.13.
Variant type: single nucleotide variant.
Coding change: c.1023G>A on transcript NM_004070.4 (MANE Select); coding-DNA position 1023, G replaced by A.
Protein change: p.Pro341=; no amino-acid change (proline 341 retained).
Molecular consequence: synonymous variant.
Genome position (GRCh38, 1-based): chr1:16,028,815, G>A. VCF-style: chr1-16028815-G-A. GRCh37 (hg19) VCF-style: chr1-16355310-G-A.
Other names: p.Pro341=; c.1023G>A, p.Pro341= (NM_001042704.2); c.894G>A, p.Pro298= (NM_001257139.2).
Identifiers: ClinVar variation 4684674 (VCV004684674.2).
Genomic context (GRCh38, chr1:16,028,815, plus strand): 5'-CCACAGCAAGCCTGTGTACTCCGCTCTGGCCACCTTGCTTCTCGCCTCCATCACCTACCC[G>A]CCTGGTGTGGGCCACTTCCTAGCTTCTCGGGTAAGGGGTCCTGAGCGGGGGTGGCAGGAG-3'
Protein context (NP_004061.3, residues 331-351): ATLLLASITY[Pro341=]PGVGHFLASR

ClinVar aggregate classification (germline): Likely benign. Review status: criteria provided, multiple submitters, no conflicts (2 of 4 stars). 2 submissions from 2 submitters: Likely benign (2). Last evaluated 2025-05-14.

gnomAD v4.1: 408 of 1,613,860 alleles (0.025%); highest among the groups gnomAD compares: South Asian, 0.21%; 1 homozygote.

Submissions (2):

Mayo Clinic Laboratories, Mayo Clinic
Classification: Likely benign. Last evaluated: 2025-05-14. Review status: criteria provided, single submitter. Criteria: ACMG Guidelines, 2015. Collection method: clinical testing. Allele origin: germline. Observed: 1 variant allele.
Comment: BP4, BP7

Blueprint Genetics
Classification: Likely benign. Last evaluated: 2024-09-25. Review status: criteria provided, single submitter. Criteria: ACMG Guidelines, 2015. Collection method: clinical testing. Allele origin: germline.